The following is an entry in ClinVar:

NM_018127.7(ELAC2):c.739-208C>T

Gene: ELAC2 (elaC ribonuclease Z 2; minus strand). Cytogenetic location: 17p12.
Variant type: single nucleotide variant.
Coding change: c.739-208C>T on transcript NM_018127.7 (MANE Select); 208 bases into the intron before coding-DNA position 739, C replaced by T.
Molecular consequence: intron variant.
Genome position (GRCh38, 1-based): chr17:13,006,187, G>A on the plus strand (C>T on the coding strand, the complement: ELAC2 is on the minus strand). VCF-style: chr17-13006187-G-A. GRCh37 (hg19) VCF-style: chr17-12909504-G-A.
Other names: c.619-208C>T (NM_001165962.2); c.739-208C>T (NM_173717.2).
Identifiers: ClinVar variation 674691 (VCV000674691.2), dbSNP rs111859801, ClinGen allele CA14490792.

ClinVar aggregate classification (germline): Benign. Review status: criteria provided, multiple submitters, no conflicts (2 of 4 stars). 2 submissions from 2 submitters: Benign (2). Last evaluated 2018-06-14.

Allele frequency attached by ClinVar (database versions not stated): 1000 Genomes Project 0.21665; 1000 Genomes Project 30x 0.22174; TOPMed 0.27167; gnomAD 0.27673 and 0.28104; gnomAD exomes 0.27928.
gnomAD v4.1: 161,233 of 577,580 alleles (28%); highest among the groups gnomAD compares: Middle Eastern, 35%; 23,878 homozygotes.

Submissions (2):

GeneDx
Classification: Benign. Last evaluated: 2018-06-14. Review status: criteria provided, single submitter. Criteria: GeneDx Variant Classification (06012015). Collection method: clinical testing. Allele origin: germline. Affected: yes.
Comment: This variant is considered likely benign or benign based on one or more of the following criteria: it is a conservative change, it occurs at a poorly conserved position in the protein, it is predicted to be benign by multiple in silico algorithms, and/or has population frequency not consistent with disease.

Breakthrough Genomics
Classification: Benign. Review status: criteria provided, single submitter. Criteria: ACMG Guidelines, 2015. Collection method: not provided. Allele origin: germline. Inheritance: Autosomal recessive inheritance. Affected: yes.